The following is an entry in ClinVar:

NM_002488.5(NDUFA2):c.30C>T (p.Val10=)

Genes: NDUFA2 (NADH:ubiquinone oxidoreductase subunit A2; minus strand), TMCO6 (transmembrane and coiled-coil domains 6; plus strand). Cytogenetic location: 5q31.3.
Variant type: single nucleotide variant.
Coding change: c.30C>T on transcript NM_002488.5 (MANE Select); coding-DNA position 30, C replaced by T.
Protein change: p.Val10=; no amino-acid change (valine 10 retained).
Molecular consequence: synonymous variant. On other transcripts: non-coding transcript variant (1).
Genome position (GRCh38, 1-based): chr5:140,647,554, G>A on the plus strand (C>T on the coding strand, the complement: NDUFA2 is on the minus strand). VCF-style: chr5-140647554-G-A. GRCh37 (hg19) VCF-style: chr5-140027139-G-A.
Other names: c.30C>T, p.Val10= (NM_001185012.2).
Identifiers: ClinVar variation 384585 (VCV000384585.8), dbSNP rs757200194, ClinGen allele CA3442568.

ClinVar aggregate classification (germline): Likely benign. Review status: criteria provided, multiple submitters, no conflicts (2 of 4 stars). 3 submissions from 3 submitters: Likely benign (2). 1 of the submissions does not count toward it. Last evaluated 2025-10-25.

Conditions:
NDUFA2-related disorder. Also called: NDUFA2-related condition.

Allele frequency attached by ClinVar (database versions not stated): ExAC 0.00001; gnomAD 0.00001; gnomAD exomes 0.00002; TOPMed 0.00005.
gnomAD v4.1: 16 of 1,611,518 alleles (0.00099%); highest among the groups gnomAD compares: Admixed American, 0.0017%; no homozygotes.

Submissions (3):

Labcorp Genetics (formerly Invitae), Labcorp
Classification: Likely benign. Last evaluated: 2025-10-25. Review status: criteria provided, single submitter. Criteria: Invitae Variant Classification Sherloc (09022015). Collection method: clinical testing. Allele origin: germline.

GeneDx
Classification: Likely benign. Last evaluated: 2018-03-01. Review status: criteria provided, single submitter. Criteria: GeneDx Variant Classification (06012015). Collection method: clinical testing. Allele origin: germline. Affected: yes.
Comment: This variant is considered likely benign or benign based on one or more of the following criteria: it is a conservative change, it occurs at a poorly conserved position in the protein, it is predicted to be benign by multiple in silico algorithms, and/or has population frequency not consistent with disease.

PreventionGenetics, part of Exact Sciences
Classification: Likely benign for NDUFA2-related condition. Last evaluated: 2021-05-27. Review status: no assertion criteria provided. Collection method: clinical testing. Allele origin: germline. Not counted in ClinVar's aggregate classification.
Comment: This variant is classified as likely benign based on ACMG/AMP sequence variant interpretation guidelines (Richards et al. 2015 PMID: 25741868, with internal and published modifications).